The following is an entry in ClinVar:

NM_001267550.2(TTN):c.107411T>C (p.Leu35804Ser)

Genes: TTN-AS1 (TTN antisense RNA 1; plus strand), TTN (titin; minus strand). Cytogenetic location: 2q31.2.
Variant type: single nucleotide variant.
Coding change: c.107411T>C on transcript NM_001267550.2 (MANE Select); coding-DNA position 107411, T replaced by C.
Protein change: p.Leu35804Ser; replaces leucine 35804 with serine.
Molecular consequence: missense variant.
Genome position (GRCh38, 1-based): chr2:178,527,715, A>G on the plus strand (T>C on the coding strand, the complement: TTN is on the minus strand). VCF-style: chr2-178527715-A-G. GRCh37 (hg19) VCF-style: chr2-179392442-A-G.
Other names: c.102488T>C, p.Leu34163Ser (NM_001256850.1); c.80216T>C, p.Leu26739Ser (NM_003319.4); c.99707T>C, p.Leu33236Ser (NM_133378.4); c.80591T>C, p.Leu26864Ser (NM_133432.3); c.80792T>C, p.Leu26931Ser (NM_133437.4); short protein forms L34163S, L35804S, L26864S, L26931S, L26739S, L33236S.
Identifiers: ClinVar variation 1404640 (VCV001404640.6), dbSNP rs2154130341, ClinGen allele CA349401052.
Genomic context (GRCh38, chr2:178,527,715, plus strand): 5'-GACATTTGGACTGACTGAGACGAGAAGCTTCCTTGCAAGCTTGTGTCACCACTTGTTCTC[A>G]ATACTACCTCTCTGGAAGGTTCTTCAACTAGAGCTGTGGAGCATAGCAGATACACAGTGA-3'
Protein context (NP_001254479.2, residues 35794-35814): LVEEPSREVV[Leu35804Ser]RTSGDTSLQG

ClinVar aggregate classification (germline): Uncertain significance (1 of 4 stars; one submission).

Conditions:
Autosomal recessive limb-girdle muscular dystrophy type 2J (LGMDR10). Also called: MUSCULAR DYSTROPHY, LIMB-GIRDLE, AUTOSOMAL RECESSIVE 10; Limb-girdle muscular dystrophy, type 2J. Identifiers: Orphanet 140922, MedGen C1837342, MONDO:0012127, OMIM 608807.
Dilated cardiomyopathy 1G (CMD1G). Identifiers: Orphanet 154, MedGen C1858763, MONDO:0011400, OMIM 604145.

Submission:

Labcorp Genetics (formerly Invitae), Labcorp
Classification: Uncertain significance for Dilated cardiomyopathy 1G; Autosomal recessive limb-girdle muscular dystrophy type 2J. Last evaluated: 2024-02-23. Review status: criteria provided, single submitter. Criteria: Invitae Variant Classification Sherloc (09022015). Collection method: clinical testing. Allele origin: germline.
Comment: This sequence change replaces leucine, which is neutral and non-polar, with serine, which is neutral and polar, at codon 35804 of the TTN protein (p.Leu35804Ser). This variant is not present in population databases (gnomAD no frequency). This variant has not been reported in the literature in individuals affected with TTN-related conditions. ClinVar contains an entry for this variant (Variation ID: 1404640). Experimental studies and prediction algorithms are not available or were not evaluated, and the functional significance of this variant is currently unknown. This variant is located in the M band of TTN (PMID: 25589632). Non-truncating variants in this region may be relevant for neuromuscular disorders, but have not been definitively shown to cause cardiomyopathy (PMID: 23975875). In summary, the available evidence is currently insufficient to determine the role of this variant in disease. Therefore, it has been classified as a Variant of Uncertain Significance.

Literature cited by the submitters: PubMed 25589632; PubMed 23975875.